The following is an entry in ClinVar:

NM_182699.4(DDX53):c.315C>T (p.Ala105=)

Genes: DDX53 (DEAD-box helicase 53; plus strand), PTCHD1-AS (PTCHD1 antisense RNA (head to head); minus strand). Cytogenetic location: Xp22.11.
Variant type: single nucleotide variant.
Coding change: c.315C>T on transcript NM_182699.4 (MANE Select); coding-DNA position 315, C replaced by T.
Protein change: p.Ala105=; no amino-acid change (alanine 105 retained).
Molecular consequence: synonymous variant.
Genome position (GRCh38, 1-based): chrX:23,000,372, C>T. VCF-style: chrX-23000372-C-T. GRCh37 (hg19) VCF-style: chrX-23018489-C-T.
Identifiers: ClinVar variation 765069 (VCV000765069.5), dbSNP rs141158062, ClinGen allele CA10368725.

ClinVar aggregate classification (germline): Benign. Review status: criteria provided, single submitter (1 of 4 stars). 2 submissions from 2 submitters: Benign (1). 1 of the submissions does not count toward it. Last evaluated 2018-08-18.

Conditions:
DDX53-related disorder. Also called: DDX53-related condition.

Allele frequency attached by ClinVar (database versions not stated): gnomAD exomes 0.00017 and 0.00058; ExAC 0.00084; 1000 Genomes Project 0.00159; gnomAD 0.00177 and 0.00195; 1000 Genomes Project 30x 0.00187; TOPMed 0.00221; ESP Exome Variant Server 0.00350.

Submissions (2):

Labcorp Genetics (formerly Invitae), Labcorp
Classification: Benign. Last evaluated: 2018-08-18. Review status: criteria provided, single submitter. Criteria: Invitae Variant Classification Sherloc (09022015). Collection method: clinical testing. Allele origin: germline.

PreventionGenetics, part of Exact Sciences
Classification: Benign for DDX53-related condition. Last evaluated: 2019-11-25. Review status: no assertion criteria provided. Collection method: clinical testing. Allele origin: germline. Not counted in ClinVar's aggregate classification.
Comment: This variant is classified as benign based on ACMG/AMP sequence variant interpretation guidelines (Richards et al. 2015 PMID: 25741868, with internal and published modifications).